The following is an entry in ClinVar:

ClinVar aggregate classification (germline): Pathogenic (1 of 4 stars; one submission).

Conditions:
Nemaline myopathy 2 (NEM2). Also called: Nemaline myopathy 2, autosomal recessive. Identifiers: MedGen C1850569, MONDO:0009725, OMIM 256030.

Submission:

Labcorp Genetics (formerly Invitae), Labcorp
Classification: Pathogenic for Nemaline myopathy 2. Last evaluated: 2018-08-25. Review status: criteria provided, single submitter. Criteria: Invitae Variant Classification Sherloc (09022015). Collection method: clinical testing. Allele origin: germline.
Comment: This sequence change creates a premature translational stop signal (p.Gly3498Alafs*4) in the NEB gene. It is expected to result in an absent or disrupted protein product. This variant is not present in population databases (ExAC no frequency). This variant has not been reported in the literature in individuals with NEB-related disease. Loss-of-function variants in NEB are known to be pathogenic (PMID: 25205138). For these reasons, this variant has been classified as Pathogenic.

Literature cited by the submitters: PubMed 25205138.

NM_001164508.2(NEB):c.10493del (p.Gly3498fs)

Gene: NEB (nebulin; minus strand). Cytogenetic location: 2q23.3.
Variant type: Deletion.
Coding change: c.10493del on transcript NM_001164508.2 (MANE Select); coding-DNA position 10493, one base deleted (G; older notation c.10493delG).
Protein change: p.Gly3498fs; shifts the reading frame from glycine 3498.
Molecular consequence: frameshift variant.
Genome position (GRCh38, 1-based): chr2:151,620,986, C deleted on the plus strand (G on the coding strand, the reverse complement: NEB is on the minus strand); the first of 2 consecutive C bases (chr2:151,620,986-151,620,987); deleting either gives the same sequence. VCF-style (leftmost placement, unchanged base first): chr2-151620985-GC-G. GRCh37 (hg19) VCF-style: chr2-152477499-GC-G.
Other names: c.10493del, p.Gly3498fs (NM_001164507.2, NM_001271208.2); c.9764del, p.Gly3255fs (NM_004543.5); short protein forms G3498fs, G3255fs.
Identifiers: ClinVar variation 645208 (VCV000645208.6), dbSNP rs1574014358, ClinGen allele CA915942911.
Genomic context (GRCh38, chr2:151,620,985, plus strand): 5'-GGCAATATCCCGAGAGGCCTTGGCAGCCACAATGGGAATGGCATCACTTCTCAAGTCATA[GC>G]CTTCTTTCTTGGCTTCTTCCATGGCCTGACGATAGAGGCTCTGAGGAAAGAAGGAGTAGC-3'